The following is an entry in ClinVar:

ClinVar aggregate classification (germline): Uncertain significance. Review status: criteria provided, multiple submitters, no conflicts (2 of 4 stars). 3 submissions from 3 submitters: Uncertain significance (3). Last evaluated 2026-09-24.

Conditions:
Autosomal dominant nonsyndromic hearing loss 12. Also called: DEAFNESS, AUTOSOMAL DOMINANT 8. Identifiers: Orphanet 90635, MedGen C1832187, MONDO:0011102, OMIM 601543.
TECTA-related disorder. Also called: TECTA-related condition.

gnomAD v4.1: 1 of 1,609,576 alleles (0.000062%); highest among the groups gnomAD compares: Non-Finnish European, 0.000085%; no homozygotes.

Submissions (3):

GeneDx
Classification: Uncertain significance. Last evaluated: 2026-09-24. Review status: criteria provided, single submitter. Criteria: GeneDx Variant Classification Process June 2021. Collection method: clinical testing. Allele origin: germline.
Comment: Not observed at significant frequency in large population cohorts (gnomAD); In silico analysis supports that this missense variant has a deleterious effect on protein structure/function; Has not been previously published as pathogenic or benign to our knowledge; This variant is associated with the following publications: (PMID: 21520338, 9590290, 31554319)

PreventionGenetics, part of Exact Sciences
Classification: Uncertain significance for TECTA-related condition. Last evaluated: 2026-01-05. Review status: criteria provided, single submitter. Criteria: ACMG Guidelines, 2015. Collection method: clinical testing. Allele origin: germline.
Comment: The TECTA c.3365G>T variant is predicted to result in the amino acid substitution p.Cys1122Phe. To our knowledge, this variant has not been reported in the literature. This variant is reported in 0.00089% of alleles in individuals of European (Non-Finnish) descent in gnomAD. At this time, the clinical significance of this variant is uncertain due to the absence of conclusive functional and genetic evidence.

Precision Medicine Center, Zhengzhou University
Classification: Uncertain significance for Autosomal dominant nonsyndromic hearing loss 12. Last evaluated: 2006-06-30. Review status: criteria provided, single submitter. Criteria: ClinGen HL ACMG Specifications v1. Collection method: clinical testing. Allele origin: maternal. Affected: yes.
Comment: PM2+PP3+PP1: TECTA c.3365G>T variant is absent or extremely rare in population databases, including gnomAD, supporting its rarity in the general population (PM2). Multiple in silico prediction tools suggest that this missense variant may have a deleterious effect on TECTA protein function (PP3). Segregation in one affected relative and three affected relatives for dominant (PP1). No functional studies, de novo occurrence, or multiple independent unrelated affected individuals have been reported for this variant. Therefore, evidence is currently insufficient to establish pathogenicity, and the variant is classified as a Variant of Uncertain Significance (VUS).

NM_005422.4(TECTA):c.3365G>T (p.Cys1122Phe)

Genes: TBCEL-TECTA (TBCEL-TECTA readthrough; plus strand), TECTA (tectorin alpha; plus strand). Cytogenetic location: 11q23.3.
Variant type: single nucleotide variant.
Coding change: c.3365G>T on transcript NM_005422.4 (MANE Select); coding-DNA position 3365, G replaced by T.
Protein change: p.Cys1122Phe; replaces cysteine 1122 with phenylalanine.
Molecular consequence: missense variant.
Genome position (GRCh38, 1-based): chr11:121,137,844, G>T. VCF-style: chr11-121137844-G-T. GRCh37 (hg19) VCF-style: chr11-121008553-G-T.
Other names: c.4322G>T, p.Cys1441Phe (NM_001378761.1); short protein forms C1122F, C1441F.
Identifiers: ClinVar variation 3359721 (VCV003359721.5).